The following is an entry in ClinVar:

NC_000003.11:g.(?_136076542)_(136076710_?)del

Gene: STAG1 (STAG1 cohesin complex component; minus strand). Cytogenetic location: 3q22.3.
Variant type: Deletion.
Identifiers: ClinVar variation 2425422 (VCV002425422.4).

ClinVar aggregate classification (germline): Uncertain significance (1 of 4 stars; one submission).

Submission:

Labcorp Genetics (formerly Invitae), Labcorp
Classification: Uncertain significance. Last evaluated: 2022-07-30. Review status: criteria provided, single submitter. Criteria: Invitae Variant Classification Sherloc (09022015). Collection method: clinical testing. Allele origin: germline.
Comment: In summary, the available evidence is currently insufficient to determine the role of this variant in disease. Therefore, it has been classified as a Variant of Uncertain Significance. This variant has not been reported in the literature in individuals affected with STAG1-related conditions. This variant is a gross deletion of the genomic region encompassing exon(s) 28 of the STAG1 gene. This variant would be expected to be in-frame, preserving the integrity of the reading frame.